The following is an entry in ClinVar:

NM_001023.4(RPS20):c.102G>A (p.Lys34=)

Gene: RPS20 (ribosomal protein S20; minus strand). Cytogenetic location: 8q12.1.
Variant type: single nucleotide variant.
Coding change: c.102G>A on transcript NM_001023.4 (MANE Select); coding-DNA position 102, G replaced by A.
Protein change: p.Lys34=; no amino-acid change (lysine 34 retained).
Molecular consequence: synonymous variant.
Genome position (GRCh38, 1-based): chr8:56,074,061, C>T on the plus strand (G>A on the coding strand, the complement: RPS20 is on the minus strand). VCF-style: chr8-56074061-C-T. GRCh37 (hg19) VCF-style: chr8-56986620-C-T.
Other names: c.102G>A, p.Lys34= (NM_001146227.3).
Identifiers: ClinVar variation 1770760 (VCV001770760.5), dbSNP rs763174042, ClinGen allele CA461101578.

ClinVar aggregate classification (germline): Conflicting classifications of pathogenicity. Review status: criteria provided, conflicting classifications (1 of 4 stars). 2 submissions from 2 submitters: Uncertain significance (1); Likely benign (1). Last evaluated 2023-08-16.

Allele frequency attached by ClinVar (database versions not stated): gnomAD exomes below 0.00001; TOPMed below 0.00001; gnomAD 0.00002.
gnomAD v4.1: 7 of 1,612,912 alleles (0.00043%); highest among the groups gnomAD compares: East Asian, 0.0089%; no homozygotes.

Submissions (2):

Labcorp Genetics (formerly Invitae), Labcorp
Classification: Uncertain significance. Last evaluated: 2023-08-16. Review status: criteria provided, single submitter. Criteria: Invitae Variant Classification Sherloc (09022015). Collection method: clinical testing. Allele origin: germline.
Comment: In summary, the available evidence is currently insufficient to determine the role of this variant in disease. Therefore, it has been classified as a Variant of Uncertain Significance. Algorithms developed to predict the effect of sequence changes on RNA splicing suggest that this variant is not likely to affect RNA splicing. ClinVar contains an entry for this variant (Variation ID: 1770760). This variant has not been reported in the literature in individuals affected with RPS20-related conditions. This variant is not present in population databases (gnomAD no frequency). This sequence change affects codon 34 of the RPS20 mRNA. It is a 'silent' change, meaning that it does not change the encoded amino acid sequence of the RPS20 protein. It affects a nucleotide within the consensus splice site.

Ambry Genetics
Classification: Likely benign. Last evaluated: 2022-02-22. Review status: criteria provided, single submitter. Criteria: Ambry Variant Classification Scheme 2023. Collection method: clinical testing. Allele origin: germline.